The following is an entry in ClinVar:

ClinVar aggregate classification (germline): Likely pathogenic (1 of 4 stars; one submission).

Submission:

Labcorp Genetics (formerly Invitae), Labcorp
Classification: Likely pathogenic. Last evaluated: 2023-02-27. Review status: criteria provided, single submitter. Criteria: Invitae Variant Classification Sherloc (09022015). Collection method: clinical testing. Allele origin: germline.
Comment: In summary, the currently available evidence indicates that the variant is pathogenic, but additional data are needed to prove that conclusively. Therefore, this variant has been classified as Likely Pathogenic. Algorithms developed to predict the effect of sequence changes on RNA splicing suggest that this variant may disrupt the consensus splice site. This variant has not been reported in the literature in individuals affected with SF3B4-related conditions. This variant is not present in population databases (gnomAD no frequency). This sequence change affects a donor splice site in intron 3 of the SF3B4 gene. It is expected to disrupt RNA splicing. Variants that disrupt the donor or acceptor splice site typically lead to a loss of protein function (PMID: 16199547), and loss-of-function variants in SF3B4 are known to be pathogenic (PMID: 22541558, 23568615).

Literature cited by the submitters: PubMed 16199547; PubMed 22541558; PubMed 23568615.

NM_005850.5(SF3B4):c.706+1G>T

Gene: SF3B4 (splicing factor 3b subunit 4; minus strand). Cytogenetic location: 1q21.2.
Variant type: single nucleotide variant.
Coding change: c.706+1G>T on transcript NM_005850.5 (MANE Select); the canonical splice donor site of the intron after coding-DNA position 706, G replaced by T.
Molecular consequence: splice donor variant.
Genome position (GRCh38, 1-based): chr1:149,926,375, C>A on the plus strand (G>T on the coding strand, the complement: SF3B4 is on the minus strand). VCF-style: chr1-149926375-C-A. GRCh37 (hg19) VCF-style: chr1-149898267-C-A.
Identifiers: ClinVar variation 2841382 (VCV002841382.3), dbSNP rs2525122328, ClinGen allele CA342276251.